The following is an entry in ClinVar:

NM_001037333.3(CYFIP2):c.954C>G (p.Tyr318Ter)

Gene: CYFIP2 (cytoplasmic FMR1 interacting protein 2; plus strand). Cytogenetic location: 5q33.3.
Variant type: single nucleotide variant.
Coding change: c.954C>G on transcript NM_001037333.3 (MANE Select); coding-DNA position 954, C replaced by G.
Protein change: p.Tyr318Ter; replaces tyrosine 318 with a stop codon.
Molecular consequence: nonsense.
Genome position (GRCh38, 1-based): chr5:157,309,796, C>G. VCF-style: chr5-157309796-C-G. GRCh37 (hg19) VCF-style: chr5-156736804-C-G.
Other names: c.876C>G, p.Tyr292Ter (NM_001291721.2); c.954C>G, p.Tyr318Ter (NM_001291722.2, NM_014376.4); short protein forms Y292*, Y318*.
Identifiers: ClinVar variation 1879641 (VCV001879641.29), dbSNP rs2532345995, ClinGen allele CA361967802.

ClinVar aggregate classification (germline): Uncertain significance (1 of 4 stars; one submission).

Submission:

CeGaT Center for Human Genetics Tuebingen
Classification: Uncertain significance. Last evaluated: 2022-11-01. Review status: criteria provided, single submitter. Criteria: CeGaT Center For Human Genetics Tuebingen Variant Classification Criteria Version 2. Collection method: clinical testing. Allele origin: germline. Affected: yes. Observed: 1 variant allele.
Comment: CYFIP2: PM2